The following is an entry in ClinVar:

NM_025099.6(CTC1):c.1974G>T (p.Gln658His)

Gene: CTC1 (CST telomere replication complex component 1; minus strand). Cytogenetic location: 17p13.1.
Variant type: single nucleotide variant.
Coding change: c.1974G>T on transcript NM_025099.6 (MANE Select); coding-DNA position 1974, G replaced by T.
Protein change: p.Gln658His; replaces glutamine 658 with histidine.
Molecular consequence: missense variant. On other transcripts: non-coding transcript variant (1).
Genome position (GRCh38, 1-based): chr17:8,232,447, C>A on the plus strand (G>T on the coding strand, the complement: CTC1 is on the minus strand). VCF-style: chr17-8232447-C-A. GRCh37 (hg19) VCF-style: chr17-8135765-C-A.
Other names: short protein forms Q658H.
Identifiers: ClinVar variation 964828 (VCV000964828.8), dbSNP rs779228652, ClinGen allele CA8372210.
Genomic context (GRCh38, chr17:8,232,447, plus strand): 5'-TGGCATGCTCAGCTCCTTCCAGGAAGGGAAGCTGCTTCTCACGTCCCTCTCTACGATCAA[C>A]TGAAACCTCTCTGCCCGCACCAGGCAGCCTAGAGGAAGAAAGTTTTCTGTTTTGACAAGA-3'
Protein context (NP_079375.3, residues 648-668): IGCLVRAERF[Gln658His]LIVERDVRSS

ClinVar aggregate classification (germline): Uncertain significance. Review status: criteria provided, multiple submitters, no conflicts (2 of 4 stars). 2 submissions from 2 submitters: Uncertain significance (2). Last evaluated 2023-09-12.

Conditions:
Inborn genetic diseases. Identifiers: MedGen C0950123, MeSH D030342.
Dyskeratosis congenita. Identifiers: Orphanet 1775, MedGen C0265965, MONDO:0015780.

Allele frequency attached by ClinVar (database versions not stated): ExAC 0.00001; gnomAD 0.00001; gnomAD exomes 0.00001 and 0.00003; TOPMed 0.00002.
gnomAD v4.1: 39 of 1,614,024 alleles (0.0024%); highest among the groups gnomAD compares: Non-Finnish European, 0.0031%; 1 homozygote.

Submissions (2):

Labcorp Genetics (formerly Invitae), Labcorp
Classification: Uncertain significance for Dyskeratosis congenita. Last evaluated: 2023-09-12. Review status: criteria provided, single submitter. Criteria: Invitae Variant Classification Sherloc (09022015). Collection method: clinical testing. Allele origin: germline.
Comment: In summary, the available evidence is currently insufficient to determine the role of this variant in disease. Therefore, it has been classified as a Variant of Uncertain Significance. Advanced modeling of protein sequence and biophysical properties (such as structural, functional, and spatial information, amino acid conservation, physicochemical variation, residue mobility, and thermodynamic stability) performed at Invitae indicates that this missense variant is expected to disrupt CTC1 protein function. ClinVar contains an entry for this variant (Variation ID: 964828). This variant has not been reported in the literature in individuals affected with CTC1-related conditions. This variant is present in population databases (rs779228652, gnomAD 0.002%). This sequence change replaces glutamine, which is neutral and polar, with histidine, which is basic and polar, at codon 658 of the CTC1 protein (p.Gln658His).

Ambry Genetics
Classification: Uncertain significance for Inborn genetic diseases. Last evaluated: 2022-08-17. Review status: criteria provided, single submitter. Criteria: Ambry Variant Classification Scheme 2023. Collection method: clinical testing. Allele origin: germline.